The following is an entry in ClinVar:

NM_001297.5(CNGB1):c.3379G>A (p.Gly1127Ser)

Gene: CNGB1 (cyclic nucleotide gated channel subunit beta 1; minus strand). Cytogenetic location: 16q21.
Variant type: single nucleotide variant.
Coding change: c.3379G>A on transcript NM_001297.5 (MANE Select); coding-DNA position 3379, G replaced by A.
Protein change: p.Gly1127Ser; replaces glycine 1127 with serine.
Molecular consequence: missense variant.
Genome position (GRCh38, 1-based): chr16:57,887,938, C>T on the plus strand (G>A on the coding strand, the complement: CNGB1 is on the minus strand). VCF-style: chr16-57887938-C-T. GRCh37 (hg19) VCF-style: chr16-57921842-C-T.
Other names: c.3361G>A, p.Gly1121Ser (NM_001286130.2); short protein forms G1127S, G1121S.
Identifiers: ClinVar variation 844543 (VCV000844543.11), dbSNP rs373477921, ClinGen allele CA8082584.

ClinVar aggregate classification (germline): Uncertain significance. Review status: criteria provided, multiple submitters, no conflicts (2 of 4 stars). 4 submissions from 4 submitters: Uncertain significance (4). Last evaluated 2026-07-15.

Conditions:
CNGB1-related disorder. Also called: CNGB1-related condition.
Retinitis pigmentosa (RP). Identifiers: Orphanet 791, MedGen C0035334, MeSH D012174, MONDO:0019200, OMIM 268000. Inheritance: Autosomal dominant, autosomal recessive and X linked inheritance.

Allele frequency attached by ClinVar (database versions not stated): ESP Exome Variant Server 0.00008; gnomAD 0.00011 and 0.00012; 1000 Genomes Project 30x 0.00016; ExAC 0.00002; gnomAD exomes 0.00002; TOPMed 0.00002.
gnomAD v4.1: 47 of 1,614,194 alleles (0.0029%); highest among the groups gnomAD compares: Middle Eastern, 0.049%; no homozygotes.

Submissions (4):

PreventionGenetics, part of Exact Sciences
Classification: Uncertain significance for CNGB1-related condition. Last evaluated: 2026-07-15. Review status: criteria provided, single submitter. Criteria: ACMG Guidelines, 2015. Collection method: clinical testing. Allele origin: germline.
Comment: The CNGB1 c.3379G>A variant is predicted to result in the amino acid substitution p.Gly1127Ser. To our knowledge, this variant has not been previously reported in the literature in association with retinal disease. This variant is reported in 0.013% of alleles in individuals of European (Non-Finnish) descent in gnomAD. At this time, the clinical significance of this variant is uncertain due to the absence of conclusive functional and genetic evidence.

Blueprint Genetics
Classification: Uncertain significance. Last evaluated: 2024-09-30. Review status: criteria provided, single submitter. Criteria: ACMG Guidelines, 2015. Collection method: clinical testing. Allele origin: germline.

Labcorp Genetics (formerly Invitae), Labcorp
Classification: Uncertain significance. Last evaluated: 2024-01-02. Review status: criteria provided, single submitter. Criteria: Invitae Variant Classification Sherloc (09022015). Collection method: clinical testing. Allele origin: germline.
Comment: This sequence change replaces glycine, which is neutral and non-polar, with serine, which is neutral and polar, at codon 1127 of the CNGB1 protein (p.Gly1127Ser). This variant is present in population databases (rs373477921, gnomAD 0.01%). This variant has not been reported in the literature in individuals affected with CNGB1-related conditions. ClinVar contains an entry for this variant (Variation ID: 844543). Advanced modeling of protein sequence and biophysical properties (such as structural, functional, and spatial information, amino acid conservation, physicochemical variation, residue mobility, and thermodynamic stability) performed at Invitae indicates that this missense variant is not expected to disrupt CNGB1 protein function with a negative predictive value of 95%. In summary, the available evidence is currently insufficient to determine the role of this variant in disease. Therefore, it has been classified as a Variant of Uncertain Significance.

Illumina Laboratory Services, Illumina
Classification: Uncertain significance for Retinitis pigmentosa. Last evaluated: 2018-01-13. Review status: criteria provided, single submitter. Criteria: ICSL Variant Classification Criteria 13 December 2019. Collection method: clinical testing. Allele origin: germline.